The following is an entry in ClinVar:

ClinVar aggregate classification (germline): Conflicting classifications of pathogenicity. Review status: criteria provided, conflicting classifications (1 of 4 stars). 4 submissions from 4 submitters: Uncertain significance (2); Likely benign (2). Last evaluated 2025-08-12.

Conditions:
Inborn genetic diseases. Identifiers: MedGen C0950123, MeSH D030342.

Allele frequency attached by ClinVar (database versions not stated): ExAC 0.00002; gnomAD exomes 0.00002 and 0.00001; TOPMed 0.00003; gnomAD 0.00005 and 0.00004.
gnomAD v4.1: 13 of 1,614,108 alleles (0.00081%); highest among the groups gnomAD compares: Admixed American, 0.02%; no homozygotes.

Submissions (4):

Mayo Clinic Laboratories, Mayo Clinic
Classification: Likely benign. Last evaluated: 2025-08-12. Review status: criteria provided, single submitter. Criteria: ACMG Guidelines, 2015. Collection method: clinical testing. Allele origin: germline. Observed: 1 variant allele.
Comment: BP4, BP7

Labcorp Genetics (formerly Invitae), Labcorp
Classification: Uncertain significance. Last evaluated: 2022-02-24. Review status: criteria provided, single submitter. Criteria: Invitae Variant Classification Sherloc (09022015). Collection method: clinical testing. Allele origin: germline.
Comment: This sequence change falls in intron 1 of the RARS2 gene. It does not directly change the encoded amino acid sequence of the RARS2 protein. It affects a nucleotide within the consensus splice site. This variant is present in population databases (rs764668779, gnomAD 0.01%). This variant has not been reported in the literature in individuals affected with RARS2-related conditions. ClinVar contains an entry for this variant (Variation ID: 1292266). Variants that disrupt the consensus splice site are a relatively common cause of aberrant splicing (PMID: 17576681, 9536098). Algorithms developed to predict the effect of sequence changes on RNA splicing suggest that this variant is not likely to affect RNA splicing. In summary, the available evidence is currently insufficient to determine the role of this variant in disease. Therefore, it has been classified as a Variant of Uncertain Significance.

Ambry Genetics
Classification: Uncertain significance for Inborn genetic diseases. Last evaluated: 2021-07-23. Review status: criteria provided, single submitter. Criteria: Ambry Variant Classification Scheme 2023. Collection method: clinical testing. Allele origin: germline.
Comment: The c.36+4T>C intronic alteration consists of a T to C substitution 4 nucleotides after exon 1 of the RARS2 gene. Based on insufficient or conflicting evidence, the clinical significance of this alteration remains unclear.

GeneDx
Classification: Likely benign. Last evaluated: 2019-03-25. Review status: criteria provided, single submitter. Criteria: GeneDx Variant Classification Process June 2021. Collection method: clinical testing. Allele origin: germline. Affected: yes.

Literature cited by the submitters: PubMed 17576681 (cited by Labcorp Genetics (formerly Invitae), Labcorp); PubMed 9536098 (cited by Labcorp Genetics (formerly Invitae), Labcorp).

NM_020320.5(RARS2):c.36+4T>C

Gene: RARS2 (arginyl-tRNA synthetase 2, mitochondrial; minus strand). Cytogenetic location: 6q15.
Variant type: single nucleotide variant.
Coding change: c.36+4T>C on transcript NM_020320.5 (MANE Select); 4 bases into the intron after coding-DNA position 36, T replaced by C.
Molecular consequence: intron variant. On other transcripts: 5 prime UTR variant (7), non-coding transcript variant (20).
Genome position (GRCh38, 1-based): chr6:87,589,918, A>G on the plus strand (T>C on the coding strand, the complement: RARS2 is on the minus strand). VCF-style: chr6-87589918-A-G. GRCh37 (hg19) VCF-style: chr6-88299636-A-G.
Other names: p.?; c.36+4T>C (NM_020320.3, NM_001350505.2); c.-651T>C (NM_001318785.2); c.-707T>C (NM_001350506.2, NM_001350510.2); c.-830T>C (NM_001350507.2); c.-869T>C (NM_001350508.2); c.-577T>C (NM_001350509.2); c.-826T>C (NM_001350511.2).
Identifiers: ClinVar variation 1292266 (VCV001292266.5), dbSNP rs764668779, ClinGen allele CA3916834.